The following is an entry in ClinVar:

NM_005633.4(SOS1):c.1240G>C (p.Gly414Arg)

Gene: SOS1 (SOS Ras/Rac guanine nucleotide exchange factor 1; minus strand). Cytogenetic location: 2p22.1.
Variant type: single nucleotide variant.
Coding change: c.1240G>C on transcript NM_005633.4 (MANE Select); coding-DNA position 1240, G replaced by C.
Protein change: p.Gly414Arg; replaces glycine 414 with arginine.
Molecular consequence: missense variant.
Genome position (GRCh38, 1-based): chr2:39,023,188, C>G on the plus strand (G>C on the coding strand, the complement: SOS1 is on the minus strand). VCF-style: chr2-39023188-C-G. GRCh37 (hg19) VCF-style: chr2-39250329-C-G.
Other names: c.1219G>C, p.Gly407Arg (NM_001382394.1); c.1240G>C, p.Gly414Arg (NM_001382395.1); short protein forms G407R, G414R.
Identifiers: ClinVar variation 4745837 (VCV004745837.1).
Genomic context (GRCh38, chr2:39,023,188, plus strand): 5'-CCTCCCAACCATCAATATTCTTCTGAATCTCGTTCATCTTCTTGATTGCTAGTTGTTTCC[C>G]CTTCATTTGCTGACTATAAAACCGACATGCAGATTCACTGGAATAAAGAAAAAGACATTA-3'
Protein context (NP_005624.2, residues 404-424): ACRFYSQQMK[Gly414Arg]KQLAIKKMNE

ClinVar aggregate classification (germline): Uncertain significance (1 of 4 stars; one submission).

Conditions:
RASopathy. Also called: Noonan spectrum disorder; rasopathies. Identifiers: Orphanet 536391, MedGen C5555857, MONDO:0021060.

Submission:

Labcorp Genetics (formerly Invitae), Labcorp
Classification: Uncertain significance for RASopathy. Last evaluated: 2025-12-10. Review status: criteria provided, single submitter. Criteria: Invitae Variant Classification Sherloc (09022015). Collection method: clinical testing. Allele origin: germline.
Comment: This sequence change replaces glycine, which is neutral and non-polar, with arginine, which is basic and polar, at codon 414 of the SOS1 protein (p.Gly414Arg). This variant is not present in population databases (gnomAD no frequency). This variant has not been reported in the literature in individuals affected with SOS1-related conditions. Invitae Evidence Modeling of protein sequence and biophysical properties (such as structural, functional, and spatial information, amino acid conservation, physicochemical variation, residue mobility, and thermodynamic stability) indicates that this missense variant is not expected to disrupt SOS1 protein function with a negative predictive value of 95%. In summary, the available evidence is currently insufficient to determine the role of this variant in disease. Therefore, it has been classified as a Variant of Uncertain Significance.